The following is an entry in ClinVar:

ClinVar aggregate classification (germline): Benign/Likely benign. Review status: criteria provided, multiple submitters, no conflicts (2 of 4 stars). 4 submissions from 4 submitters: Benign (1); Likely benign (2). 1 of the submissions does not count toward it. Last evaluated 2025-12-21.

Conditions:
DTHD1-related disorder. Also called: DTHD1-related condition.

Allele frequency attached by ClinVar (database versions not stated): gnomAD exomes 0.00022; ExAC 0.00043; 1000 Genomes Project 30x 0.00078; 1000 Genomes Project 0.00080; gnomAD 0.00093 and 0.00098; TOPMed 0.00105; ESP Exome Variant Server 0.00175.

Submissions (4):

Labcorp Genetics (formerly Invitae), Labcorp
Classification: Likely benign. Last evaluated: 2025-12-21. Review status: criteria provided, single submitter. Criteria: Invitae Variant Classification Sherloc (09022015). Collection method: clinical testing. Allele origin: germline.

Blueprint Genetics
Classification: Benign. Last evaluated: 2024-02-09. Review status: criteria provided, single submitter. Criteria: ACMG Guidelines, 2015. Collection method: clinical testing. Allele origin: germline.

Breakthrough Genomics
Classification: Likely benign. Review status: criteria provided, single submitter. Criteria: ACMG Guidelines, 2015. Collection method: not provided. Allele origin: germline. Inheritance: Unknown mechanism. Affected: yes.

PreventionGenetics, part of Exact Sciences
Classification: Likely benign for DTHD1-related condition. Last evaluated: 2022-12-27. Review status: no assertion criteria provided. Collection method: clinical testing. Allele origin: germline. Not counted in ClinVar's aggregate classification.
Comment: This variant is classified as likely benign based on ACMG/AMP sequence variant interpretation guidelines (Richards et al. 2015 PMID: 25741868, with internal and published modifications).

NM_001170700.3(DTHD1):c.1835T>C (p.Met612Thr)

Gene: DTHD1 (death domain containing 1; plus strand). Cytogenetic location: 4p14.
Variant type: single nucleotide variant.
Coding change: c.1835T>C on transcript NM_001170700.3 (MANE Select); coding-DNA position 1835, T replaced by C.
Protein change: p.Met612Thr; replaces methionine 612 with threonine.
Molecular consequence: missense variant. On other transcripts: non-coding transcript variant (2).
Genome position (GRCh38, 1-based): chr4:36,308,233, T>C. VCF-style: chr4-36308233-T-C. GRCh37 (hg19) VCF-style: chr4-36309855-T-C.
Other names: c.965T>C, p.Met322Thr (NM_001136536.5); c.902T>C, p.Met301Thr (NM_001378435.1); c.965T>C (NM_001136536.4); short protein forms M301T, M322T, M612T.
Identifiers: ClinVar variation 1095303 (VCV001095303.11), dbSNP rs115555517, ClinGen allele CA2885682.